The following is an entry in ClinVar:

NM_002907.4(RECQL):c.701-15T>G

Gene: RECQL (RecQ like helicase; minus strand). Cytogenetic location: 12p12.1.
Variant type: single nucleotide variant.
Coding change: c.701-15T>G on transcript NM_002907.4 (MANE Select); 15 bases into the intron before coding-DNA position 701, T replaced by G.
Molecular consequence: intron variant.
Genome position (GRCh38, 1-based): chr12:21,477,984, A>C on the plus strand (T>G on the coding strand, the complement: RECQL is on the minus strand). VCF-style: chr12-21477984-A-C. GRCh37 (hg19) VCF-style: chr12-21630918-A-C.
Other names: c.701-15T>G (NM_032941.3).
Identifiers: ClinVar variation 2422976 (VCV002422976.5), dbSNP rs757641161, ClinGen allele CA6478987.

ClinVar aggregate classification (germline): Uncertain significance (1 of 4 stars; one submission).

Allele frequency attached by ClinVar (database versions not stated): ExAC 0.00001; gnomAD 0.00006; TOPMed 0.00009.
gnomAD v4.1: 14 of 1,588,374 alleles (0.00088%); highest among the groups gnomAD compares: African/African-American, 0.016%; no homozygotes.

Submission:

Labcorp Genetics (formerly Invitae), Labcorp
Classification: Uncertain significance. Last evaluated: 2022-09-14. Review status: criteria provided, single submitter. Criteria: Invitae Variant Classification Sherloc (09022015). Collection method: clinical testing. Allele origin: germline.
Comment: This sequence change falls in intron 6 of the RECQL gene. It does not directly change the encoded amino acid sequence of the RECQL protein. This variant is present in population databases (rs757641161, gnomAD 0.008%). This variant has not been reported in the literature in individuals affected with RECQL-related conditions. Algorithms developed to predict the effect of sequence changes on RNA splicing suggest that this variant may disrupt the consensus splice site. In summary, the available evidence is currently insufficient to determine the role of this variant in disease. Therefore, it has been classified as a Variant of Uncertain Significance.